The following is an entry in ClinVar:

NM_005378.6(MYCN):c.626C>G (p.Pro209Arg)

Gene: MYCN (MYCN proto-oncogene, bHLH transcription factor; plus strand). Cytogenetic location: 2p24.3.
Variant type: single nucleotide variant.
Coding change: c.626C>G on transcript NM_005378.6 (MANE Select); coding-DNA position 626, C replaced by G.
Protein change: p.Pro209Arg; replaces proline 209 with arginine.
Molecular consequence: missense variant. On other transcripts: 3 prime UTR variant (1), intron variant (1).
Genome position (GRCh38, 1-based): chr2:15,942,690, C>G. VCF-style: chr2-15942690-C-G. GRCh37 (hg19) VCF-style: chr2-16082812-C-G.
Other names: c.626C>G, p.Pro209Arg (NM_001293228.2); c.*561C>G (NM_001293233.2); c.157+1947C>G (NM_001293231.2); short protein forms P209R.
Identifiers: ClinVar variation 1356655 (VCV001356655.8), dbSNP rs1438100504, ClinGen allele CA345931263.

ClinVar aggregate classification (germline): Uncertain significance (1 of 4 stars; one submission).

Allele frequency attached by ClinVar (database versions not stated): gnomAD 0.00001.
gnomAD v4.1: 3 of 1,187,152 alleles (0.00025%); highest among the groups gnomAD compares: South Asian, 0.0038%; no homozygotes.

Submission:

Labcorp Genetics (formerly Invitae), Labcorp
Classification: Uncertain significance. Last evaluated: 2026-01-05. Review status: criteria provided, single submitter. Criteria: Invitae Variant Classification Sherloc (09022015). Collection method: clinical testing. Allele origin: germline.
Comment: This sequence change replaces proline, which is neutral and non-polar, with arginine, which is basic and polar, at codon 209 of the MYCN protein (p.Pro209Arg). This variant is present in population databases (no rsID available, gnomAD 0.007%). This variant has not been reported in the literature in individuals affected with MYCN-related conditions. ClinVar contains an entry for this variant (Variation ID: 1356655). Invitae Evidence Modeling of protein sequence and biophysical properties (such as structural, functional, and spatial information, amino acid conservation, physicochemical variation, residue mobility, and thermodynamic stability) indicates that this missense variant is not expected to disrupt MYCN protein function with a negative predictive value of 95%. In summary, the available evidence is currently insufficient to determine the role of this variant in disease. Therefore, it has been classified as a Variant of Uncertain Significance.